The following is an entry in ClinVar:

NM_016292.3(TRAP1):c.1185C>G (p.Asp395Glu)

Gene: TRAP1 (TNF receptor associated protein 1; minus strand). Cytogenetic location: 16p13.3.
Variant type: single nucleotide variant.
Coding change: c.1185C>G on transcript NM_016292.3 (MANE Select); coding-DNA position 1185, C replaced by G.
Protein change: p.Asp395Glu; replaces aspartic acid 395 with glutamic acid.
Molecular consequence: missense variant.
Genome position (GRCh38, 1-based): chr16:3,671,772, G>C on the plus strand (C>G on the coding strand, the complement: TRAP1 is on the minus strand). VCF-style: chr16-3671772-G-C. GRCh37 (hg19) VCF-style: chr16-3721773-G-C.
Other names: c.1026C>G, p.Asp342Glu (NM_001272049.2); short protein forms D395E, D342E.
Identifiers: ClinVar variation 559149 (VCV000559149.17), dbSNP rs1136948, ClinGen allele CA7868228.

ClinVar aggregate classification (germline): Benign. Review status: criteria provided, multiple submitters, no conflicts (2 of 4 stars). 5 submissions from 5 submitters: Benign (4). 1 of the submissions does not count toward it. Last evaluated 2026-02-03.

Allele frequency attached by ClinVar (database versions not stated): gnomAD 0.12832 and 0.12984; 1000 Genomes Project 0.10823; ESP Exome Variant Server 0.13422; 1000 Genomes Project 30x 0.10525; TOPMed 0.12288; gnomAD exomes 0.15005 and 0.17423; ExAC 0.15297.
gnomAD v4.1: 273,994 of 1,612,654 alleles (17%); highest among the groups gnomAD compares: Middle Eastern, 19%; 24,883 homozygotes.

Submissions (5):

Labcorp Genetics (formerly Invitae), Labcorp
Classification: Benign. Last evaluated: 2026-02-03. Review status: criteria provided, single submitter. Criteria: Invitae Variant Classification Sherloc (09022015). Collection method: clinical testing. Allele origin: germline.

Unidad de Genómica Garrahan, Hospital de Pediatría Garrahan
Classification: Benign. Last evaluated: 2024-01-24. Review status: criteria provided, single submitter. Criteria: ACMG Guidelines, 2015. Collection method: clinical testing. Allele origin: germline. Affected: no. Observed: 30 variant alleles.
Comment: This variant is classified as Benign based on local population frequency. This variant was detected in 34% of patients studied by a panel of primary immunodeficiencies. Number of patients: 30. Only high quality variants are reported.

GeneDx
Classification: Benign. Last evaluated: 2021-06-09. Review status: criteria provided, single submitter. Criteria: GeneDx Variant Classification Process June 2021. Collection method: clinical testing. Allele origin: germline. Affected: yes.

Breakthrough Genomics
Classification: Benign. Review status: criteria provided, single submitter. Criteria: ACMG Guidelines, 2015. Collection method: not provided. Allele origin: germline. Inheritance: Unknown mechanism. Affected: yes.

Mayo Clinic Laboratories, Mayo Clinic
Classification: Benign. Last evaluated: 2016-02-22. Review status: no assertion criteria provided. Collection method: clinical testing. Allele origin: unknown. Not counted in ClinVar's aggregate classification.